The following is an entry in ClinVar:

ClinVar aggregate classification (germline): Uncertain significance. Review status: criteria provided, multiple submitters, no conflicts (2 of 4 stars). 2 submissions from 2 submitters: Uncertain significance (2). Last evaluated 2025-01-09.

Conditions:
Inborn genetic diseases. Identifiers: MedGen C0950123, MeSH D030342.

Allele frequency attached by ClinVar (database versions not stated): TOPMed 0.00003; gnomAD exomes 0.00002; gnomAD 0.00001; ExAC 0.00002.
gnomAD v4.1: 5 of 1,614,096 alleles (0.00031%); highest among the groups gnomAD compares: Admixed American, 0.0083%; no homozygotes.

Submissions (2):

Ambry Genetics
Classification: Uncertain significance for Inborn genetic diseases. Last evaluated: 2025-01-09. Review status: criteria provided, single submitter. Criteria: Ambry Variant Classification Scheme 2023. Collection method: clinical testing. Allele origin: germline.

Labcorp Genetics (formerly Invitae), Labcorp
Classification: Uncertain significance. Last evaluated: 2021-09-01. Review status: criteria provided, single submitter. Criteria: Invitae Variant Classification Sherloc (09022015). Collection method: clinical testing. Allele origin: germline.
Comment: This sequence change replaces serine with glycine at codon 304 of the WDR62 protein (p.Ser304Gly). The serine residue is moderately conserved and there is a small physicochemical difference between serine and glycine. This variant is present in population databases (rs767013083, ExAC 0.03%). This variant has not been reported in the literature in individuals affected with WDR62-related conditions. Algorithms developed to predict the effect of missense changes on protein structure and function are either unavailable or do not agree on the potential impact of this missense change (SIFT: "Tolerated"; PolyPhen-2: "Possibly Damaging"; Align-GVGD: "Class C0"). In summary, the available evidence is currently insufficient to determine the role of this variant in disease. Therefore, it has been classified as a Variant of Uncertain Significance.

NM_001083961.2(WDR62):c.910A>G (p.Ser304Gly)

Gene: WDR62 (WD repeat domain 62; plus strand). Cytogenetic location: 19q13.12.
Variant type: single nucleotide variant.
Coding change: c.910A>G on transcript NM_001083961.2 (MANE Select); coding-DNA position 910, A replaced by G.
Protein change: p.Ser304Gly; replaces serine 304 with glycine.
Molecular consequence: missense variant.
Genome position (GRCh38, 1-based): chr19:36,071,583, A>G. VCF-style: chr19-36071583-A-G. GRCh37 (hg19) VCF-style: chr19-36562485-A-G.
Other names: c.910A>G, p.Ser304Gly (NM_173636.5); c.910A>G (NM_001083961.1); short protein forms S304G.
Identifiers: ClinVar variation 1449374 (VCV001449374.6), dbSNP rs767013083, ClinGen allele CA9395433.